The following is an entry in ClinVar:

ClinVar aggregate classification (germline): Uncertain significance. Review status: criteria provided, multiple submitters, no conflicts (2 of 4 stars). 2 submissions from 2 submitters: Uncertain significance (2). Last evaluated 2025-10-15.

Conditions:
Inborn genetic diseases. Identifiers: MedGen C0950123, MeSH D030342.

Allele frequency attached by ClinVar (database versions not stated): gnomAD exomes below 0.00001; gnomAD 0.00001; TOPMed 0.00001.
gnomAD v4.1: 3 of 1,613,182 alleles (0.00019%); highest among the groups gnomAD compares: Non-Finnish European, 0.00025%; no homozygotes.

Submissions (2):

Labcorp Genetics (formerly Invitae), Labcorp
Classification: Uncertain significance. Last evaluated: 2025-10-15. Review status: criteria provided, single submitter. Criteria: Invitae Variant Classification Sherloc (09022015). Collection method: clinical testing. Allele origin: germline.
Comment: This sequence change replaces proline, which is neutral and non-polar, with leucine, which is neutral and non-polar, at codon 639 of the RAI1 protein (p.Pro639Leu). This variant is not present in population databases (gnomAD no frequency). This variant has not been reported in the literature in individuals affected with RAI1-related conditions. ClinVar contains an entry for this variant (Variation ID: 2138237). Invitae Evidence Modeling of protein sequence and biophysical properties (such as structural, functional, and spatial information, amino acid conservation, physicochemical variation, residue mobility, and thermodynamic stability) indicates that this missense variant is not expected to disrupt RAI1 protein function with a negative predictive value of 80%. In summary, the available evidence is currently insufficient to determine the role of this variant in disease. Therefore, it has been classified as a Variant of Uncertain Significance.

Ambry Genetics
Classification: Uncertain significance for Inborn genetic diseases. Last evaluated: 2022-07-12. Review status: criteria provided, single submitter. Criteria: Ambry Variant Classification Scheme 2023. Collection method: clinical testing. Allele origin: germline.

NM_030665.4(RAI1):c.1916C>T (p.Pro639Leu)

Gene: RAI1 (retinoic acid induced 1; plus strand). Cytogenetic location: 17p11.2.
Variant type: single nucleotide variant.
Coding change: c.1916C>T on transcript NM_030665.4 (MANE Select); coding-DNA position 1916, C replaced by T.
Protein change: p.Pro639Leu; replaces proline 639 with leucine.
Molecular consequence: missense variant.
Genome position (GRCh38, 1-based): chr17:17,794,864, C>T. VCF-style: chr17-17794864-C-T. GRCh37 (hg19) VCF-style: chr17-17698178-C-T.
Other names: c.1916C>T (NM_030665.3); short protein forms P639L.
Identifiers: ClinVar variation 2138237 (VCV002138237.5), dbSNP rs954858193, ClinGen allele CA288367998.